The following is an entry in ClinVar:

ClinVar aggregate classification (germline): Benign/Likely benign. Review status: criteria provided, multiple submitters, no conflicts (2 of 4 stars). 2 submissions from 2 submitters: Benign (1); Likely benign (1). Last evaluated 2026-08-01.

Conditions:
Dystonic disorder. Also called: Dystonia. Identifiers: MedGen C0013421, MONDO:0003441, HP:0001332.

Allele frequency attached by ClinVar (database versions not stated): gnomAD 0.00003; TOPMed 0.00011; gnomAD exomes 0.00023.
gnomAD v4.1: 89 of 1,427,222 alleles (0.0062%); highest among the groups gnomAD compares: Middle Eastern, 0.038%; no homozygotes.

Submissions (2):

CeGaT Center for Human Genetics Tuebingen
Classification: Likely benign. Last evaluated: 2026-08-01. Review status: criteria provided, single submitter. Criteria: CeGaT Center For Human Genetics Tuebingen Variant Classification Criteria Version 2. Collection method: clinical testing. Allele origin: germline. Affected: yes. Observed: 1 variant allele.
Comment: GNAL: BP4, BP7

Labcorp Genetics (formerly Invitae), Labcorp
Classification: Benign for Dystonic disorder. Last evaluated: 2017-12-22. Review status: criteria provided, single submitter. Criteria: Invitae Variant Classification Sherloc (09022015). Collection method: clinical testing. Allele origin: germline.

NM_182978.4(GNAL):c.357G>T (p.Thr119=)

Gene: GNAL (G protein subunit alpha L; plus strand). Cytogenetic location: 18p11.21.
Variant type: single nucleotide variant.
Coding change: c.357G>T on transcript NM_182978.4 (MANE Select); coding-DNA position 357, G replaced by T.
Protein change: p.Thr119=; no amino-acid change (threonine 119 retained).
Molecular consequence: synonymous variant.
Genome position (GRCh38, 1-based): chr18:11,689,920, G>T. VCF-style: chr18-11689920-G-T. GRCh37 (hg19) VCF-style: chr18-11689919-G-T.
Identifiers: ClinVar variation 526219 (VCV000526219.10), dbSNP rs747999584, ClinGen allele CA8893810.